The following is an entry in ClinVar:

NM_001085049.3(MRAS):c.182C>T (p.Ala61Val)

Gene: MRAS (muscle RAS oncogene homolog; plus strand). Cytogenetic location: 3q22.3.
Variant type: single nucleotide variant.
Coding change: c.182C>T on transcript NM_001085049.3 (MANE Select); coding-DNA position 182, C replaced by T.
Protein change: p.Ala61Val; replaces alanine 61 with valine.
Molecular consequence: missense variant. On other transcripts: intron variant (3).
Genome position (GRCh38, 1-based): chr3:138,373,065, C>T. VCF-style: chr3-138373065-C-T. GRCh37 (hg19) VCF-style: chr3-138091907-C-T.
Other names: c.182C>T, p.Ala61Val (NM_001252090.2, NM_012219.4); c.-35-24259C>T (NM_001252091.1, NM_001252093.2); c.-36+24033C>T (NM_001252092.2); short protein forms A61V.
Identifiers: ClinVar variation 3226219 (VCV003226219.1), dbSNP rs774071033, ClinGen allele CA2636929.
Genomic context (GRCh38, chr3:138,373,065, plus strand): 5'-ACTATGACCCCACCATTGAAGACTCCTACCTGAAACATACGGAGATTGACAATCAATGGG[C>T]CATCTTGGACGGTGAGACCTGGGTGGCAGCCCTGCATTGGGTGGGATAGTAGATGGGGAG-3'
Protein context (NP_001078518.1, residues 51-71): LKHTEIDNQW[Ala61Val]ILDVLDTAGQ

ClinVar aggregate classification (germline): Uncertain significance (1 of 4 stars; one submission).

Conditions:
Inborn genetic diseases. Identifiers: MedGen C0950123, MeSH D030342.

Allele frequency attached by ClinVar (database versions not stated): ExAC 0.00001; gnomAD 0.00001; gnomAD exomes 0.00001.

Submission:

Ambry Genetics
Classification: Uncertain significance for Inborn genetic diseases. Last evaluated: 2024-02-12. Review status: criteria provided, single submitter. Criteria: Ambry Variant Classification Scheme 2023. Collection method: clinical testing. Allele origin: germline.
Comment: The p.A61V variant (also known as c.182C>T), located in coding exon 1 of the MRAS gene, results from a C to T substitution at nucleotide position 182. The alanine at codon 61 is replaced by valine, an amino acid with similar properties. This amino acid position is conserved. In addition, the in silico prediction for this alteration is inconclusive. Based on the available evidence, the clinical significance of this alteration remains unclear.